The following is an entry in ClinVar:

NM_007232.3(HRH3):c.1215G>A (p.Ser405=)

Gene: HRH3 (histamine receptor H3; minus strand). Cytogenetic location: 20q13.33.
Variant type: single nucleotide variant.
Coding change: c.1215G>A on transcript NM_007232.3 (MANE Select); coding-DNA position 1215, G replaced by A.
Protein change: p.Ser405=; no amino-acid change (serine 405 retained).
Molecular consequence: synonymous variant.
Genome position (GRCh38, 1-based): chr20:62,216,129, C>T on the plus strand (G>A on the coding strand, the complement: HRH3 is on the minus strand). VCF-style: chr20-62216129-C-T. GRCh37 (hg19) VCF-style: chr20-60791185-C-T.
Identifiers: ClinVar variation 782631 (VCV000782631.28), dbSNP rs2067476, ClinGen allele CA9937988.

ClinVar aggregate classification (germline): Benign/Likely benign. Review status: criteria provided, multiple submitters, no conflicts (2 of 4 stars). 3 submissions from 3 submitters: Benign (2); Likely benign (1). Last evaluated 2023-10-01.

Allele frequency attached by ClinVar (database versions not stated): 1000 Genomes Project 0.00399; 1000 Genomes Project 30x 0.00406; gnomAD 0.00464 and 0.00472; gnomAD exomes 0.00478 and 0.00540; ExAC 0.00483; ESP Exome Variant Server 0.00492; TOPMed 0.00507.

Submissions (3):

CeGaT Center for Human Genetics Tuebingen
Classification: Likely benign. Last evaluated: 2023-10-01. Review status: criteria provided, single submitter. Criteria: CeGaT Center For Human Genetics Tuebingen Variant Classification Criteria Version 2. Collection method: clinical testing. Allele origin: germline. Affected: yes. Observed: 2 variant alleles.
Comment: HRH3: BP4, BP7, BS2

Labcorp Genetics (formerly Invitae), Labcorp
Classification: Benign. Last evaluated: 2018-08-24. Review status: criteria provided, single submitter. Criteria: Invitae Variant Classification Sherloc (09022015). Collection method: clinical testing. Allele origin: germline.

Breakthrough Genomics
Classification: Benign. Review status: criteria provided, single submitter. Criteria: ACMG Guidelines, 2015. Collection method: not provided. Allele origin: germline. Inheritance: Unknown mechanism. Affected: yes.